The following is an entry in ClinVar:

ClinVar aggregate classification (germline): Conflicting classifications of pathogenicity. Review status: criteria provided, conflicting classifications (1 of 4 stars). 3 submissions from 3 submitters: Uncertain significance (2); Likely benign (1). Last evaluated 2026-06-28.

Conditions:
Inborn genetic diseases. Identifiers: MedGen C0950123, MeSH D030342.
Early-infantile DEE. Also called: Early infantile epileptic encephalopathy; Ohtahara syndrome; Early infantile epileptic encephalopathy with suppression bursts. Identifiers: Orphanet 1934, MedGen C0393706, MONDO:0800491.

Allele frequency attached by ClinVar (database versions not stated): gnomAD 0.00001; gnomAD exomes below 0.00001; TOPMed 0.00002.
gnomAD v4.1: 5 of 1,613,996 alleles (0.00031%); highest among the groups gnomAD compares: African/African-American, 0.0067%; no homozygotes.

Submissions (3):

Ambry Genetics
Classification: Uncertain significance for Inborn genetic diseases. Last evaluated: 2026-06-28. Review status: criteria provided, single submitter. Criteria: Ambry Variant Classification Scheme 2023. Collection method: clinical testing. Allele origin: germline.

Labcorp Genetics (formerly Invitae), Labcorp
Classification: Likely benign for Early-infantile DEE. Last evaluated: 2024-07-01. Review status: criteria provided, single submitter. Criteria: Invitae Variant Classification Sherloc (09022015). Collection method: clinical testing. Allele origin: germline.

GeneDx
Classification: Uncertain significance. Last evaluated: 2021-06-09. Review status: criteria provided, single submitter. Criteria: GeneDx Variant Classification Process June 2021. Collection method: clinical testing. Allele origin: germline. Affected: yes.
Comment: Not observed at significant frequency in large population cohorts (Lek et al., 2016); Missense variants in this gene are often considered pathogenic (Stenson et al., 2014); In silico analysis supports that this missense variant does not alter protein structure/function; Has not been previously published as pathogenic or benign to our knowledge; This variant is predicted to be in the cytoplasmic loop between the first and second homologous domains; This variant is associated with the following publications: (PMID: 27535533)

NM_001165963.4(SCN1A):c.2018T>C (p.Ile673Thr)

Gene: SCN1A (sodium voltage-gated channel alpha subunit 1; minus strand). Cytogenetic location: 2q24.3.
Variant type: single nucleotide variant.
Coding change: c.2018T>C on transcript NM_001165963.4 (MANE Select); coding-DNA position 2018, T replaced by C.
Protein change: p.Ile673Thr; replaces isoleucine 673 with threonine.
Molecular consequence: missense variant. On other transcripts: intron variant (12).
Genome position (GRCh38, 1-based): chr2:166,043,694, A>G on the plus strand (T>C on the coding strand, the complement: SCN1A is on the minus strand). VCF-style: chr2-166043694-A-G. GRCh37 (hg19) VCF-style: chr2-166900204-A-G.
Other names: c.2018T>C, p.Ile673Thr (NM_001202435.3, NM_001353948.2); c.2010+8T>C (NM_001353949.2, NM_001353950.2, NM_001353951.2 and 2 more transcripts); c.1959+59T>C (NM_001353958.2, NM_001353957.2, NM_001165964.3); c.2007+8T>C (NM_001353955.2, NM_001353954.2); c.1956+59T>C (NM_001353960.2); c.-416+8T>C (NM_001353961.2); short protein forms I673T.
Identifiers: ClinVar variation 833742 (VCV000833742.14), dbSNP rs1315723631, ClinGen allele CA349067088.
Genomic context (GRCh38, chr2:166,043,694, plus strand): 5'-GCCAGCCATGCCTGAACTATTTAAAACTTCCTTACATTGTCATCAGTAGCTGGCTTATCT[A>G]TTATCACCTCTGGCAGAAGCTGTCCAACAGGCGATGTAGGAACTGAAGGTCCACCAACCA-3'
Protein context (NP_001159435.1, residues 663-683): PVGQLLPEVI[Ile673Thr]DKPATDDNGT